The following is an entry in ClinVar:

NM_001330078.2(NRXN1):c.1839G>C (p.Leu613Phe)

Gene: NRXN1 (neurexin 1; minus strand). Cytogenetic location: 2p16.3.
Variant type: single nucleotide variant.
Coding change: c.1839G>C on transcript NM_001330078.2 (MANE Select); coding-DNA position 1839, G replaced by C.
Protein change: p.Leu613Phe; replaces leucine 613 with phenylalanine.
Molecular consequence: missense variant.
Genome position (GRCh38, 1-based): chr2:50,538,557, C>G on the plus strand (G>C on the coding strand, the complement: NRXN1 is on the minus strand). VCF-style: chr2-50538557-C-G. GRCh37 (hg19) VCF-style: chr2-50765695-C-G.
Other names: c.1800G>C, p.Leu600Phe (NM_001330084.2, NM_001330083.2); c.1839G>C, p.Leu613Phe (NM_001330085.2, NM_001330086.2, NM_004801.6); c.1755G>C, p.Leu585Phe (NM_001330087.2, NM_001330096.2); c.1785G>C, p.Leu595Phe (NM_001330088.2); c.1836G>C, p.Leu612Phe (NM_001330093.2); c.1827G>C, p.Leu609Phe (NM_001330094.2); c.1815G>C, p.Leu605Phe (NM_001330095.2, NM_001330077.2, NM_001330082.2); c.1959G>C, p.Leu653Phe (NM_001135659.3); short protein forms L595F, L609F, L653F, L585F, L612F, L605F, L600F, L613F.
Identifiers: ClinVar variation 2749574 (VCV002749574.3), dbSNP rs768832393, ClinGen allele CA1654970.

ClinVar aggregate classification (germline): Uncertain significance (1 of 4 stars; one submission).

Conditions:
Pitt-Hopkins-like syndrome 2 (PTHSL2). Identifiers: Orphanet 221150, Orphanet 600663, MedGen C3280479, MONDO:0013690, OMIM 614325.

Allele frequency attached by ClinVar (database versions not stated): ExAC 0.00001; TOPMed 0.00001.
gnomAD v4.1: 2 of 1,575,612 alleles (0.00013%); highest among the groups gnomAD compares: Non-Finnish European, 0.00017%; no homozygotes.

Submission:

Labcorp Genetics (formerly Invitae), Labcorp
Classification: Uncertain significance for Pitt-Hopkins-like syndrome 2. Last evaluated: 2023-11-12. Review status: criteria provided, single submitter. Criteria: Invitae Variant Classification Sherloc (09022015). Collection method: clinical testing. Allele origin: germline.
Comment: This sequence change replaces leucine, which is neutral and non-polar, with phenylalanine, which is neutral and non-polar, at codon 653 of the NRXN1 protein (p.Leu653Phe). This variant is present in population databases (rs768832393, gnomAD 0.001%). This variant has not been reported in the literature in individuals affected with NRXN1-related conditions. An algorithm developed to predict the effect of missense changes on protein structure and function (PolyPhen-2) suggests that this variant is likely to be disruptive. In summary, the available evidence is currently insufficient to determine the role of this variant in disease. Therefore, it has been classified as a Variant of Uncertain Significance.